The following is an entry in ClinVar:

ClinVar aggregate classification (germline): Uncertain significance (1 of 4 stars; one submission).

Conditions:
Wilms tumor 1 (WT1). Also called: Wilms tumor, somatic. Identifiers: Orphanet 654, MedGen CN033288, MONDO:0008679, OMIM 194070.

Submission:

Labcorp Genetics (formerly Invitae), Labcorp
Classification: Uncertain significance for Wilms tumor 1. Last evaluated: 2025-05-05. Review status: criteria provided, single submitter. Criteria: Invitae Variant Classification Sherloc (09022015). Collection method: clinical testing. Allele origin: germline.
Comment: This sequence change replaces phenylalanine, which is neutral and non-polar, with isoleucine, which is neutral and non-polar, at codon 130 of the GPC3 protein (p.Phe130Ile). This variant is not present in population databases (gnomAD no frequency). This variant has not been reported in the literature in individuals affected with GPC3-related conditions. ClinVar contains an entry for this variant (Variation ID: 855282). Invitae Evidence Modeling of protein sequence and biophysical properties (such as structural, functional, and spatial information, amino acid conservation, physicochemical variation, residue mobility, and thermodynamic stability) has been performed for this missense variant. However, the output from this modeling did not meet the statistical confidence thresholds required to predict the impact of this variant on GPC3 protein function. In summary, the available evidence is currently insufficient to determine the role of this variant in disease. Therefore, it has been classified as a Variant of Uncertain Significance.

NM_004484.4(GPC3):c.388T>A (p.Phe130Ile)

Gene: GPC3 (glypican 3; minus strand). Cytogenetic location: Xq26.2.
Variant type: single nucleotide variant.
Coding change: c.388T>A on transcript NM_004484.4 (MANE Select); coding-DNA position 388, T replaced by A.
Protein change: p.Phe130Ile; replaces phenylalanine 130 with isoleucine.
Molecular consequence: missense variant.
Genome position (GRCh38, 1-based): chrX:133,754,126, A>T on the plus strand (T>A on the coding strand, the complement: GPC3 is on the minus strand). VCF-style: chrX-133754126-A-T. GRCh37 (hg19) VCF-style: chrX-132888153-A-T.
Other names: c.388T>A, p.Phe130Ile (NM_001164617.2); c.340T>A, p.Phe114Ile (NM_001164618.2); c.226T>A, p.Phe76Ile (NM_001164619.2); short protein forms F76I, F130I, F114I.
Identifiers: ClinVar variation 855282 (VCV000855282.8), dbSNP rs2071702654, ClinGen allele CA414706751.
Genomic context (GRCh38, chrX:133,754,126, plus strand): 5'-TGAAAAATTCACCCACAAACTCAAAAGCTTGTGGAGTCAGGCTTGGGTAGTTGTTCTTGA[A>T]CATGGCATTGGTGTAGTTCTTGGCATGGCGAACAACAATTTCAAAGGCCTCTGTAAAAAA-3'
Protein context (NP_004475.1, residues 120-140): RHAKNYTNAM[Phe130Ile]KNNYPSLTPQ